The following is an entry in ClinVar:

NM_006231.4(POLE):c.6171T>A (p.Asn2057Lys)

Gene: POLE (DNA polymerase epsilon, catalytic subunit; minus strand). Cytogenetic location: 12q24.33.
Variant type: single nucleotide variant.
Coding change: c.6171T>A on transcript NM_006231.4 (MANE Select); coding-DNA position 6171, T replaced by A.
Protein change: p.Asn2057Lys; replaces asparagine 2057 with lysine.
Molecular consequence: missense variant.
Genome position (GRCh38, 1-based): chr12:132,632,474, A>T on the plus strand (T>A on the coding strand, the complement: POLE is on the minus strand). VCF-style: chr12-132632474-A-T. GRCh37 (hg19) VCF-style: chr12-133209060-A-T.
Other names: c.6171T>A (NM_006231.2); short protein forms N2057K.
Identifiers: ClinVar variation 951581 (VCV000951581.10), dbSNP rs2041952899, ClinGen allele CA387369917.

ClinVar aggregate classification (germline): Conflicting classifications of pathogenicity. Review status: criteria provided, conflicting classifications (1 of 4 stars). 2 submissions from 2 submitters: Uncertain significance (1); Likely benign (1). Last evaluated 2026-01-20.

Conditions:
Hereditary cancer-predisposing syndrome. Also called: Tumor predisposition; Hereditary neoplastic syndrome; Neoplastic Syndromes, Hereditary; Hereditary Cancer Syndrome. Identifiers: Orphanet 140162, MedGen C0027672, MeSH D009386, MONDO:0015356.

Allele frequency attached by ClinVar (database versions not stated): gnomAD exomes below 0.00001.
gnomAD v4.1: 3 of 1,614,148 alleles (0.00019%); highest among the groups gnomAD compares: Non-Finnish European, 0.00025%; no homozygotes.

Submissions (2):

Labcorp Genetics (formerly Invitae), Labcorp
Classification: Uncertain significance. Last evaluated: 2026-01-20. Review status: criteria provided, single submitter. Criteria: Invitae Variant Classification Sherloc (09022015). Collection method: clinical testing. Allele origin: germline.
Comment: This sequence change replaces asparagine, which is neutral and polar, with lysine, which is basic and polar, at codon 2057 of the POLE protein (p.Asn2057Lys). This variant is not present in population databases (gnomAD no frequency). This variant has not been reported in the literature in individuals affected with POLE-related conditions. ClinVar contains an entry for this variant (Variation ID: 951581). Invitae Evidence Modeling of protein sequence and biophysical properties (such as structural, functional, and spatial information, amino acid conservation, physicochemical variation, residue mobility, and thermodynamic stability) indicates that this missense variant is not expected to disrupt POLE protein function with a negative predictive value of 80%. In summary, the available evidence is currently insufficient to determine the role of this variant in disease. Therefore, it has been classified as a Variant of Uncertain Significance.

Ambry Genetics
Classification: Likely benign for Hereditary cancer-predisposing syndrome. Last evaluated: 2025-07-18. Review status: criteria provided, single submitter. Criteria: Ambry Variant Classification Scheme 2023. Collection method: clinical testing. Allele origin: germline.